The following is an entry in ClinVar:

NM_006516.4(SLC2A1):c.835dup (p.Gln279fs)

Gene: SLC2A1 (solute carrier family 2 member 1; minus strand). Cytogenetic location: 1p34.2.
Variant type: Duplication.
Coding change: c.835dup on transcript NM_006516.4 (MANE Select); coding-DNA position 835, one base duplicated (C; older notation c.835dupC).
Protein change: p.Gln279fs; shifts the reading frame from glutamine 279.
Molecular consequence: frameshift variant.
Genome position (GRCh38, 1-based): chr1:42,929,625, G duplicated on the plus strand (C on the coding strand, the reverse complement: SLC2A1 is on the minus strand). VCF-style (leftmost placement, unchanged base first): chr1-42929624-T-TG. GRCh37 (hg19) VCF-style: chr1-43395295-T-TG.
Other names: short protein forms Q279fs.
Identifiers: ClinVar variation 4855841 (VCV004855841.1).

ClinVar aggregate classification (germline): Likely pathogenic (1 of 4 stars; one submission).

Conditions:
Encephalopathy due to GLUT1 deficiency. Also called: GLUT1 deficiency syndrome 1; GLUCOSE TRANSPORT DEFECT, BLOOD-BRAIN BARRIER; Glucose transporter protein syndrome; GLUT1 deficiency syndrome 1, infantile onset, severe; Classic Glucose Transporter Type 1 Deficiency Syndrome; De Vivo disease. Identifiers: Orphanet 71277, MedGen C4551966, MONDO:0011724, OMIM 606777.

Submission:

3billion
Classification: Likely pathogenic for Encephalopathy due to GLUT1 deficiency. Last evaluated: 2025-11-17. Review status: criteria provided, single submitter. Criteria: ACMG Guidelines, 2015. Collection method: clinical testing. Allele origin: germline. Affected: yes.
Comment: The variant is not observed in the gnomAD v4.1.0 dataset. Predicted Consequence/Location: Frameshift: predicted to result in a loss or disruption of normal protein function through nonsense-mediated decay (NMD) or protein truncation. Multiple pathogenic variants are reported downstream of the variant. Therefore, this variant is classified as Likely pathogenic according to the recommendation of ACMG/AMP guideline.